The following is an entry in ClinVar:

NM_000038.6(APC):c.4913T>C (p.Met1638Thr)

Gene: APC (APC regulator of Wnt signaling pathway; plus strand). Cytogenetic location: 5q22.2.
Variant type: single nucleotide variant.
Coding change: c.4913T>C on transcript NM_000038.6 (MANE Select); coding-DNA position 4913, T replaced by C.
Protein change: p.Met1638Thr; replaces methionine 1638 with threonine.
Molecular consequence: missense variant.
Genome position (GRCh38, 1-based): chr5:112,840,507, T>C. VCF-style: chr5-112840507-T-C. GRCh37 (hg19) VCF-style: chr5-112176204-T-C.
Other names: c.4913T>C, p.Met1638Thr (NM_001127510.3, NM_001354895.2); c.4859T>C, p.Met1620Thr (NM_001127511.3); c.4967T>C, p.Met1656Thr (NM_001354896.2); c.4943T>C, p.Met1648Thr (NM_001354897.2); c.4838T>C, p.Met1613Thr (NM_001354898.2); c.4829T>C, p.Met1610Thr (NM_001354899.2); c.4790T>C, p.Met1597Thr (NM_001354900.2); c.4736T>C, p.Met1579Thr (NM_001354901.2); and 5 more; short protein forms M1620T, M1638T, M1597T, M1610T, M1648T, M1355T, M1512T, M1537T.
Identifiers: ClinVar variation 231898 (VCV000231898.31), dbSNP rs201797422, ClinGen allele CA040178.
Genomic context (GRCh38, chr5:112,840,507, plus strand): 5'-TACCATCACAAAACAGGTTGCAACCCCAAAAGCATGTTAGTTTTACACCGGGGGATGATA[T>C]GCCACGGGTGTATTGTGTTGAAGGGACACCTATAAACTTTTCCACAGCTACATCTCTAAG-3'
Protein context (NP_000029.2, residues 1628-1648): KHVSFTPGDD[Met1638Thr]PRVYCVEGTP

ClinVar aggregate classification (germline): Conflicting classifications of pathogenicity. Review status: criteria provided, conflicting classifications (1 of 4 stars). 7 submissions from 7 submitters: Uncertain significance (3); Benign (1); Likely benign (2). 1 of the submissions does not count toward it. Last evaluated 2026-01-25.

Conditions:
APC-related disorder. Also called: APC-related condition.
Familial adenomatous polyposis 1 (FAP1). Also called: FAMILIAL ADENOMATOUS POLYPOSIS 1, ATTENUATED; POLYPOSIS, ADENOMATOUS INTESTINAL. Identifiers: MedGen C2713442, MONDO:0021056, OMIM 175100. Disease mechanism: loss of function.
Hereditary cancer-predisposing syndrome. Also called: Neoplastic Syndromes, Hereditary; Tumor predisposition; Hereditary Cancer Syndrome; Hereditary neoplastic syndrome. Identifiers: Orphanet 140162, MedGen C0027672, MeSH D009386, MONDO:0015356.
Classic or attenuated familial adenomatous polyposis. Identifiers: MedGen CN372698, MONDO:0021057.
APC-Associated Polyposis Disorders.

Allele frequency attached by ClinVar (database versions not stated): gnomAD 0.00001; TOPMed 0.00001; ExAC 0.00002; gnomAD exomes 0.00002 and 0.00003; 1000 Genomes Project 30x 0.00031; 1000 Genomes Project 0.00040.

Submissions (7):

Labcorp Genetics (formerly Invitae), Labcorp
Classification: Uncertain significance for Familial adenomatous polyposis 1. Last evaluated: 2026-01-25. Review status: criteria provided, single submitter. Criteria: Invitae Variant Classification Sherloc (09022015). Collection method: clinical testing. Allele origin: germline.
Comment: This sequence change replaces methionine, which is neutral and non-polar, with threonine, which is neutral and polar, at codon 1638 of the APC protein (p.Met1638Thr). This variant is present in population databases (rs201797422, gnomAD 0.006%). This missense change has been observed in individual(s) with colorectal cancer (PMID: 33309985). ClinVar contains an entry for this variant (Variation ID: 231898). Invitae Evidence Modeling of protein sequence and biophysical properties (such as structural, functional, and spatial information, amino acid conservation, physicochemical variation, residue mobility, and thermodynamic stability) indicates that this missense variant is not expected to disrupt APC protein function with a negative predictive value of 95%. In summary, the available evidence is currently insufficient to determine the role of this variant in disease. Therefore, it has been classified as a Variant of Uncertain Significance.

Women's Health and Genetics/Laboratory Corporation of America, LabCorp
Classification: Likely benign. Last evaluated: 2025-03-25. Review status: criteria provided, single submitter. Criteria: LabCorp Variant Classification Summary - May 2015. Collection method: clinical testing. Allele origin: germline.
Comment: Variant summary: APC c.4913T>C (p.Met1638Thr) results in a non-conservative amino acid change in the encoded protein sequence. Two of four in-silico tools predict a benign effect of the variant on protein function. The variant allele was found at a frequency of 2.7e-05 in 1614138 control chromosomes, predominantly at a frequency of 0.0008 within the East Asian subpopulation in the gnomAD database. The observed variant frequency within East Asian control individuals in the gnomAD database is approximately 11.2 fold of the estimated maximal expected allele frequency for a pathogenic variant in APC causing Familial Adenomatous Polyposis phenotype (7.1e-05). c.4913T>C has been reported in the literature in numerous individuals affected with colorectal cancer but also in an approximately equal portion of the healthy control cohort (example, Fujita_2022), with no strong evidence for causality. These report(s) do not provide unequivocal conclusions about association of the variant with Familial Adenomatous Polyposis. To our knowledge, no experimental evidence demonstrating an impact on protein function has been reported. The following publication has been ascertained in the context of this evaluation (PMID: 33309985). ClinVar contains an entry for this variant (Variation ID: 231898). Based on the evidence outlined above, the variant was classified as likely benign.

All of Us Research Program, National Institutes of Health
Classification: Uncertain significance for Classic or attenuated familial adenomatous polyposis. Last evaluated: 2024-07-10. Review status: criteria provided, single submitter. Criteria: ACMG Guidelines, 2015. Collection method: clinical testing. Allele origin: germline. Inheritance: Autosomal dominant inheritance. Observed: 1 variant allele, 1 heterozygote.
Comment: This missense variant replaces methionine with threonine at codon 1638 of the APC protein. Computational prediction suggests that this variant may not impact protein structure and function (internally defined REVEL score threshold <= 0.5, PMID: 27666373). To our knowledge, functional studies have not been reported for this variant. In a large colorectal cancer case-control study, the variant has been reported in 32/12503 cases & 70/23705 controls (PMID: 33309985). This variant has been identified in 4/251184 chromosomes in the general population by the Genome Aggregation Database (gnomAD). The available evidence is insufficient to determine the role of this variant in disease conclusively. Therefore, this variant is classified as a Variant of Uncertain Significance.

This study involves interpretation of variants in research participants for the purpose of population health screening. Participant phenotype was not available at the time of variant classification. Additional details can be found in publication PMID: 35346344, PMCID: PMC8962531

Color Diagnostics, LLC DBA Color Health
Classification: Uncertain significance for Hereditary cancer-predisposing syndrome. Last evaluated: 2024-06-20. Review status: criteria provided, single submitter. Criteria: ACMG Guidelines, 2015. Collection method: clinical testing. Allele origin: germline.
Comment: This missense variant replaces methionine with threonine at codon 1638 of the APC protein. Computational prediction suggests that this variant may not impact protein structure and function (internally defined REVEL score threshold <= 0.5, PMID: 27666373). To our knowledge, functional studies have not been reported for this variant. In a large colorectal cancer case-control study, the variant has been reported in 32/12503 cases & 70/23705 controls (PMID: 33309985). This variant has been identified in 4/251184 chromosomes in the general population by the Genome Aggregation Database (gnomAD). The available evidence is insufficient to determine the role of this variant in disease conclusively. Therefore, this variant is classified as a Variant of Uncertain Significance.

Ambry Genetics
Classification: Likely benign for Hereditary cancer-predisposing syndrome. Last evaluated: 2019-01-17. Review status: criteria provided, single submitter. Criteria: Ambry Variant Classification Scheme 2023. Collection method: clinical testing. Allele origin: germline.

Illumina Laboratory Services, Illumina
Classification: Benign for APC-Associated Polyposis Disorders. Last evaluated: 2018-01-12. Review status: criteria provided, single submitter. Criteria: ICSL Variant Classification Criteria 13 December 2019. Collection method: clinical testing. Allele origin: germline.
Comment: This variant was observed in the ICSL laboratory as part of a predisposition screen in an ostensibly healthy population. It had not been previously curated by ICSL or reported in the Human Gene Mutation Database (HGMD: prior to June 1st, 2018), and was therefore a candidate for classification through an automated scoring system. Utilizing variant allele frequency, disease prevalence and penetrance estimates, and inheritance mode, an automated score was calculated to assess if this variant is too frequent to cause the disease. Based on the score and internal cut-off values, a variant classified as benign is not then subjected to further curation. The score for this variant resulted in a classification of benign for this disease.

PreventionGenetics, part of Exact Sciences
Classification: Uncertain significance for APC-related condition. Last evaluated: 2024-04-27. Review status: no assertion criteria provided. Collection method: clinical testing. Allele origin: germline. Not counted in ClinVar's aggregate classification.
Comment: The APC c.4913T>C variant is predicted to result in the amino acid substitution p.Met1638Thr. To our knowledge, this variant has not been reported in the literature. This variant is reported in 0.011% of alleles in individuals of East Asian descent in gnomAD. In ClinVar, this variant is interpreted a likely benign/uncertain. At this time, the clinical significance of this variant is uncertain due to the absence of conclusive functional and genetic evidence.

Literature cited by the submitters: PubMed 33309985 (cited by 4 submitters).